The following is an entry in ClinVar:

ClinVar aggregate classification (germline): Uncertain significance. Review status: criteria provided, multiple submitters, no conflicts (2 of 4 stars). 2 submissions from 2 submitters: Uncertain significance (2). Last evaluated 2025-07-16.

Conditions:
Hereditary breast ovarian cancer syndrome. Also called: Hereditary breast and ovarian cancer syndrome; Hereditary breast and ovarian cancer; Hereditary breast and ovarian cancer syndrome (HBOC); BRCA1- and BRCA2-Associated Hereditary Breast and Ovarian Cancer; Hereditary breast and/or ovarian cancer syndrome; Breast and ovarian cancer. Identifiers: Orphanet 145, MedGen C0677776, MeSH D061325, MONDO:0003582. Disease mechanism: loss of function.

Submissions (2):

Labcorp Genetics (formerly Invitae), Labcorp
Classification: Uncertain significance for Hereditary breast ovarian cancer syndrome. Last evaluated: 2025-07-16. Review status: criteria provided, single submitter. Criteria: Invitae Variant Classification Sherloc (09022015). Collection method: clinical testing. Allele origin: germline.
Comment: This sequence change replaces cysteine, which is neutral and slightly polar, with tyrosine, which is neutral and polar, at codon 822 of the BRCA2 protein (p.Cys822Tyr). This variant is not present in population databases (gnomAD no frequency). This missense change has been observed in individual(s) with breast cancer (PMID: 16949048, 17100994). ClinVar contains an entry for this variant (Variation ID: 1325685). Invitae Evidence Modeling of protein sequence and biophysical properties (such as structural, functional, and spatial information, amino acid conservation, physicochemical variation, residue mobility, and thermodynamic stability) indicates that this missense variant is not expected to disrupt BRCA2 protein function with a negative predictive value of 95%. In summary, the available evidence is currently insufficient to determine the role of this variant in disease. Therefore, it has been classified as a Variant of Uncertain Significance.

National Health Laboratory Service, Universitas Academic Hospital and University of the Free State
Classification: Uncertain significance for Hereditary breast ovarian cancer syndrome. Last evaluated: 2021-11-16. Review status: criteria provided, single submitter. Criteria: ACMG Guidelines, 2015. Collection method: clinical testing. Allele origin: germline. Affected: yes. Observed: 1 variant allele.

Literature cited by the submitters: PubMed 16949048 (cited by Labcorp Genetics (formerly Invitae), Labcorp); PubMed 17100994 (cited by Labcorp Genetics (formerly Invitae), Labcorp); DOI 10.3389/fgene.2022.834265 (cited by National Health Laboratory Service, Universitas Academic Hospital and University of the Free State).

NM_000059.4(BRCA2):c.2465G>A (p.Cys822Tyr)

Gene: BRCA2 (BRCA2 DNA repair associated; plus strand). Cytogenetic location: 13q13.1.
Variant type: single nucleotide variant.
Coding change: c.2465G>A on transcript NM_000059.4 (MANE Select); coding-DNA position 2465, G replaced by A.
Protein change: p.Cys822Tyr; replaces cysteine 822 with tyrosine.
Molecular consequence: missense variant. On other transcripts: non-coding transcript variant (1), intron variant (2).
Genome position (GRCh38, 1-based): chr13:32,336,820, G>A. VCF-style: chr13-32336820-G-A. GRCh37 (hg19) VCF-style: chr13-32910957-G-A.
Other names: NP_000050.3:p.Cys822Tyr; c.2465G>A, p.Cys822Tyr (NM_001406719.1, NM_001406720.1, NM_001432077.1); c.1909+3433G>A (NM_001406721.1); c.424+5790G>A (NM_001406722.1); short protein forms C822Y.
Identifiers: ClinVar variation 1325685 (VCV001325685.7), dbSNP rs2137486776, ClinGen allele CA387772340.
Genomic context (GRCh38, chr13:32,336,820, plus strand): 5'-ATTATGAATCTGATGTTGAATTAACCAAAAATATTCCCATGGAAAAGAATCAAGATGTAT[G>A]TGCTTTAAATGAAAATTATAAAAACGTTGAGCTGTTGCCACCTGAAAAATACATGAGAGT-3'
Protein context (NP_000050.3, residues 812-832): NIPMEKNQDV[Cys822Tyr]ALNENYKNVE